The following is an entry in ClinVar:

ClinVar aggregate classification (germline): Likely pathogenic (1 of 4 stars; one submission).

gnomAD v4.1: 7 of 1,614,004 alleles (0.00043%); highest among the groups gnomAD compares: African/African-American, 0.0013%; no homozygotes.

Submission:

Labcorp Genetics (formerly Invitae), Labcorp
Classification: Likely pathogenic. Last evaluated: 2024-07-02. Review status: criteria provided, single submitter. Criteria: Invitae Variant Classification Sherloc (09022015). Collection method: clinical testing. Allele origin: germline.
Comment: This sequence change replaces threonine, which is neutral and polar, with asparagine, which is neutral and polar, at codon 1986 of the ABCA4 protein (p.Thr1986Asn). This variant is present in population databases (rs760098992, gnomAD 0.002%). This variant has not been reported in the literature in individuals affected with ABCA4-related conditions. Advanced modeling of protein sequence and biophysical properties (such as structural, functional, and spatial information, amino acid conservation, physicochemical variation, residue mobility, and thermodynamic stability) performed at Invitae indicates that this missense variant is expected to disrupt ABCA4 protein function with a positive predictive value of 95%. This variant disrupts the p.Thr1986Pro amino acid residue in ABCA4. Other variant(s) that disrupt this residue have been determined to be pathogenic (Invitae). This suggests that this residue is clinically significant, and that variants that disrupt this residue are likely to be disease-causing. In summary, the currently available evidence indicates that the variant is pathogenic, but additional data are needed to prove that conclusively. Therefore, this variant has been classified as Likely Pathogenic.

NM_000350.3(ABCA4):c.5957C>A (p.Thr1986Asn)

Gene: ABCA4 (ATP binding cassette subfamily A member 4; minus strand). Cytogenetic location: 1p22.1.
Variant type: single nucleotide variant.
Coding change: c.5957C>A on transcript NM_000350.3 (MANE Select); coding-DNA position 5957, C replaced by A.
Protein change: p.Thr1986Asn; replaces threonine 1986 with asparagine.
Molecular consequence: missense variant.
Genome position (GRCh38, 1-based): chr1:94,007,682, G>T on the plus strand (C>A on the coding strand, the complement: ABCA4 is on the minus strand). VCF-style: chr1-94007682-G-T. GRCh37 (hg19) VCF-style: chr1-94473238-G-T.
Other names: c.5735C>A, p.Thr1912Asn (NM_001425324.1); short protein forms T1986N, T1912N.
Identifiers: ClinVar variation 3701252 (VCV003701252.2).